The following is an entry in ClinVar:

NM_000237.3(LPL):c.41G>A (p.Trp14Ter)

Gene: LPL (lipoprotein lipase; plus strand). Cytogenetic location: 8p21.3.
Variant type: single nucleotide variant.
Coding change: c.41G>A on transcript NM_000237.3 (MANE Select); coding-DNA position 41, G replaced by A.
Protein change: p.Trp14Ter; replaces tryptophan 14 with a stop codon.
Molecular consequence: nonsense.
Genome position (GRCh38, 1-based): chr8:19,939,481, G>A. VCF-style: chr8-19939481-G-A. GRCh37 (hg19) VCF-style: chr8-19796992-G-A.
Other names: short protein forms W14*.
Identifiers: ClinVar variation 643218 (VCV000643218.5), dbSNP rs1590134297, ClinGen allele CA370464663.
Genomic context (GRCh38, chr8:19,939,481, plus strand): 5'-CCAGAGGGACGCGCCCCGAGATGGAGAGCAAAGCCCTGCTCGTGCTGACTCTGGCCGTGT[G>A]GCTCCAGAGTCTGACCGCCTCCCGCGGAGGGGTGGCCGCCGCCGACCGTAAGTTTTGCGC-3'

ClinVar aggregate classification (germline): Pathogenic (1 of 4 stars; one submission).

Allele frequency attached by ClinVar (database versions not stated): gnomAD exomes below 0.00001.

Submission:

Labcorp Genetics (formerly Invitae), Labcorp
Classification: Pathogenic. Last evaluated: 2022-02-03. Review status: criteria provided, single submitter. Criteria: Invitae Variant Classification Sherloc (09022015). Collection method: clinical testing. Allele origin: germline.
Comment: ClinVar contains an entry for this variant (Variation ID: 643218). This premature translational stop signal has been observed in individual(s) with hypertriglyceridemia (PMID: 9225235, 29921298). This variant is not present in population databases (gnomAD no frequency). This sequence change creates a premature translational stop signal (p.Trp14*) in the LPL gene. It is expected to result in an absent or disrupted protein product. Loss-of-function variants in LPL are known to be pathogenic (PMID: 11334614). For these reasons, this variant has been classified as Pathogenic. Algorithms developed to predict the effect of sequence changes on RNA splicing suggest that this variant may create or strengthen a splice site.

Literature cited by the submitters: PubMed 9225235; PubMed 29921298; PubMed 11334614.